The following is an entry in ClinVar:

ClinVar aggregate classification (germline): Uncertain significance (0 of 4 stars; one submission).

Conditions:
COL11A1-related disorder. Also called: COL11A1-related condition; COL11A1-related disorders.

Submission:

PreventionGenetics, part of Exact Sciences
Classification: Uncertain significance for COL11A1-related condition. Last evaluated: 2023-11-20. Review status: no assertion criteria provided. Collection method: clinical testing. Allele origin: germline.
Comment: The COL11A1 c.2138A>G variant is predicted to result in the amino acid substitution p.Glu713Gly. To our knowledge, this variant has not been reported in the literature or in a large population database, indicating this variant is rare. At this time, the clinical significance of this variant is uncertain due to the absence of conclusive functional and genetic evidence.

NM_001854.4(COL11A1):c.2138A>G (p.Glu713Gly)

Gene: COL11A1 (collagen type XI alpha 1 chain; minus strand). Cytogenetic location: 1p21.1.
Variant type: single nucleotide variant.
Coding change: c.2138A>G on transcript NM_001854.4 (MANE Select); coding-DNA position 2138, A replaced by G.
Protein change: p.Glu713Gly; replaces glutamic acid 713 with glycine.
Molecular consequence: missense variant. On other transcripts: non-coding transcript variant (1).
Genome position (GRCh38, 1-based): chr1:103,001,929, T>C on the plus strand (A>G on the coding strand, the complement: COL11A1 is on the minus strand). VCF-style: chr1-103001929-T-C. GRCh37 (hg19) VCF-style: chr1-103467485-T-C.
Other names: c.1790A>G, p.Glu597Gly (NM_001168249.1, NM_080630.4); c.2021A>G, p.Glu674Gly (NM_001190709.2); c.2174A>G, p.Glu725Gly (NM_080629.3); short protein forms E597G, E674G, E713G, E725G.
Identifiers: ClinVar variation 3033930 (VCV003033930.2), dbSNP rs2525350733, ClinGen allele CA341170427.